The following is an entry in ClinVar:

NM_033026.6(PCLO):c.2277G>A (p.Met759Ile)

Gene: PCLO (piccolo presynaptic cytomatrix protein; minus strand). Cytogenetic location: 7q21.11.
Variant type: single nucleotide variant.
Coding change: c.2277G>A on transcript NM_033026.6 (MANE Select); coding-DNA position 2277, G replaced by A.
Protein change: p.Met759Ile; replaces methionine 759 with isoleucine.
Molecular consequence: missense variant.
Genome position (GRCh38, 1-based): chr7:83,135,273, C>T on the plus strand (G>A on the coding strand, the complement: PCLO is on the minus strand). VCF-style: chr7-83135273-C-T. GRCh37 (hg19) VCF-style: chr7-82764589-C-T.
Other names: c.2277G>A, p.Met759Ile (NM_014510.3); short protein forms M759I.
Identifiers: ClinVar variation 1377222 (VCV001377222.6), dbSNP rs1429294399, ClinGen allele CA367903357.
Genomic context (GRCh38, chr7:83,135,273, plus strand): 5'-TGGAATATCAGGTTTTGTTGTTGCTGATGATGAAGATACAAGGTCAGTGGTTGGCTTTAC[C>T]ATCTTGGGCTGCTTTGGTTTATCATCAGCAACAGGGGCCTTGTCCTGCTCAGATGGGACA-3'
Protein context (NP_149015.2, residues 749-769): VADDKPKQPK[Met759Ile]VKPTTDLVSS

ClinVar aggregate classification (germline): Uncertain significance (1 of 4 stars; one submission).

Allele frequency attached by ClinVar (database versions not stated): gnomAD 0.00001.
gnomAD v4.1: 4 of 1,613,608 alleles (0.00025%); highest among the groups gnomAD compares: Non-Finnish European, 0.00034%; no homozygotes.

Submission:

Labcorp Genetics (formerly Invitae), Labcorp
Classification: Uncertain significance. Last evaluated: 2022-03-02. Review status: criteria provided, single submitter. Criteria: Invitae Variant Classification Sherloc (09022015). Collection method: clinical testing. Allele origin: germline.
Comment: In summary, the available evidence is currently insufficient to determine the role of this variant in disease. Therefore, it has been classified as a Variant of Uncertain Significance. Algorithms developed to predict the effect of missense changes on protein structure and function output the following: SIFT: "Tolerated"; PolyPhen-2: "Not Available"; Align-GVGD: "Class C0". The isoleucine amino acid residue is found in multiple mammalian species, which suggests that this missense change does not adversely affect protein function. This variant has not been reported in the literature in individuals affected with PCLO-related conditions. This variant is present in population databases (no rsID available, gnomAD 0.03%). This sequence change replaces methionine, which is neutral and non-polar, with isoleucine, which is neutral and non-polar, at codon 759 of the PCLO protein (p.Met759Ile).